The following is an entry in ClinVar:

ClinVar aggregate classification (germline): Likely pathogenic (1 of 4 stars; one submission).

Conditions:
Cystic fibrosis (CF). Also called: MUCOVISCIDOSIS. Identifiers: Orphanet 586, MedGen C0010674, MONDO:0009061, OMIM 219700. Disease mechanism: loss of function.

Allele frequency attached by ClinVar (database versions not stated): TOPMed 0.00001.

Submission:

Women's Health and Genetics/Laboratory Corporation of America, LabCorp
Classification: Likely pathogenic for Cystic Fibrosis. Last evaluated: 2011-08-18. Review status: criteria provided, single submitter. Criteria: LabCorp Variant Classification Summary - May 2015. Collection method: curation. Allele origin: germline. Inheritance: autosomal unknown. Affected: yes.
ClinVar note: Converted during submission from likely pathogenic to Likely pathogenic.

NM_000492.4(CFTR):c.370G>C (p.Gly124Arg)

Gene: CFTR (CF transmembrane conductance regulator; plus strand). Cytogenetic location: 7q31.2.
Variant type: single nucleotide variant.
Coding change: c.370G>C on transcript NM_000492.4 (MANE Select); coding-DNA position 370, G replaced by C.
Protein change: p.Gly124Arg; replaces glycine 124 with arginine.
Molecular consequence: missense variant.
Genome position (GRCh38, 1-based): chr7:117,530,995, G>C. VCF-style: chr7-117530995-G-C. GRCh37 (hg19) VCF-style: chr7-117171049-G-C.
Other names: short protein forms G124R.
Identifiers: ClinVar variation 35873 (VCV000035873.3), dbSNP rs193922519, ClinGen allele CA260239.